The following is an entry in ClinVar:

NM_015176.4(FBXO28):c.549T>A (p.Tyr183Ter)

Gene: FBXO28 (F-box protein 28; plus strand). Cytogenetic location: 1q42.11.
Variant type: single nucleotide variant.
Coding change: c.549T>A on transcript NM_015176.4 (MANE Select); coding-DNA position 549, T replaced by A.
Protein change: p.Tyr183Ter; replaces tyrosine 183 with a stop codon.
Molecular consequence: nonsense. On other transcripts: non-coding transcript variant (1), intron variant (1).
Genome position (GRCh38, 1-based): chr1:224,153,174, T>A. VCF-style: chr1-224153174-T-A. GRCh37 (hg19) VCF-style: chr1-224340876-T-A.
Other names: c.517-4178T>A (NM_001136115.3); short protein forms Y183*.
Identifiers: ClinVar variation 3370009 (VCV003370009.1).

ClinVar aggregate classification (germline): Uncertain significance (1 of 4 stars; one submission).

Submission:

GeneDx
Classification: Uncertain significance. Last evaluated: 2023-12-18. Review status: criteria provided, single submitter. Criteria: GeneDx Variant Classification Process June 2021. Collection method: clinical testing. Allele origin: germline. Affected: yes.
Comment: Not observed at significant frequency in large population cohorts (gnomAD); Nonsense variant predicted to result in protein truncation or nonsense mediated decay in a gene or region of a gene for which loss of function is not a well-established mechanism of disease; Has not been previously published as pathogenic or benign to our knowledge